The following is an entry in ClinVar:

NM_145259.3(ACVR1C):c.584T>C (p.Ile195Thr)

Gene: ACVR1C (activin A receptor type 1C; minus strand). Cytogenetic location: 2q24.1.
Variant type: single nucleotide variant.
Coding change: c.584T>C on transcript NM_145259.3 (MANE Select); coding-DNA position 584, T replaced by C.
Protein change: p.Ile195Thr; replaces isoleucine 195 with threonine.
Molecular consequence: missense variant. On other transcripts: intron variant (1).
Genome position (GRCh38, 1-based): chr2:157,550,353, A>G on the plus strand (T>C on the coding strand, the complement: ACVR1C is on the minus strand). VCF-style: chr2-157550353-A-G. GRCh37 (hg19) VCF-style: chr2-158406865-A-G.
Other names: c.434T>C, p.Ile145Thr (NM_001111031.2); c.344T>C, p.Ile115Thr (NM_001111032.2); c.305-5741T>C (NM_001111033.2); short protein forms I115T, I145T, I195T.
Identifiers: ClinVar variation 3044547 (VCV003044547.2), dbSNP rs56188432, ClinGen allele CA1918763.

ClinVar aggregate classification (germline): Likely benign (0 of 4 stars; one submission).

Conditions:
ACVR1C-related disorder. Also called: ACVR1C-related condition.

Allele frequency attached by ClinVar (database versions not stated): 1000 Genomes Project 0.00020; 1000 Genomes Project 30x 0.00031; ExAC 0.00071; ESP Exome Variant Server 0.00092; TOPMed 0.00093; gnomAD 0.00111; gnomAD exomes 0.00165.
gnomAD v4.1: 2,601 of 1,614,186 alleles (0.16%); highest among the groups gnomAD compares: Non-Finnish European, 0.2%; 2 homozygotes.

Submission:

PreventionGenetics, part of Exact Sciences
Classification: Likely benign for ACVR1C-related condition. Last evaluated: 2023-04-17. Review status: no assertion criteria provided. Collection method: clinical testing. Allele origin: germline.
Comment: This variant is classified as likely benign based on ACMG/AMP sequence variant interpretation guidelines (Richards et al. 2015 PMID: 25741868, with internal and published modifications).